The following is an entry in ClinVar:

ClinVar aggregate classification (germline): Conflicting classifications of pathogenicity. Review status: criteria provided, conflicting classifications (1 of 4 stars). 2 submissions from 2 submitters: Likely pathogenic (1); Uncertain significance (1). Last evaluated 2019-07-17.

Allele frequency attached by ClinVar (database versions not stated): gnomAD exomes below 0.00001 and 0.00002; gnomAD 0.00001; TOPMed 0.00001.

Submissions (2):

GeneDx
Classification: Likely pathogenic. Last evaluated: 2019-07-17. Review status: criteria provided, single submitter. Criteria: GeneDx Variant Classification Process June 2021. Collection method: clinical testing. Allele origin: germline. Affected: yes.
Comment: Has not been previously published as pathogenic or benign to our knowledge; Not observed at a significant frequency in large population cohorts (Lek et al., 2016); In silico analysis, which includes protein predictors and evolutionary conservation, supports a deleterious effect

Eurofins Ntd Llc (ga)
Classification: Uncertain significance. Last evaluated: 2017-08-29. Review status: criteria provided, single submitter. Criteria: EGL Classification Definitions 2015. Collection method: clinical testing. Allele origin: germline. Observed: 3 variant alleles, 2 heterozygotes, 1 homozygote.

NM_000098.3(CPT2):c.461A>G (p.Asn154Ser)

Gene: CPT2 (carnitine palmitoyltransferase 2; plus strand). Cytogenetic location: 1p32.3.
Variant type: single nucleotide variant.
Coding change: c.461A>G on transcript NM_000098.3 (MANE Select); coding-DNA position 461, A replaced by G.
Protein change: p.Asn154Ser; replaces asparagine 154 with serine.
Molecular consequence: missense variant.
Genome position (GRCh38, 1-based): chr1:53,210,135, A>G. VCF-style: chr1-53210135-A-G. GRCh37 (hg19) VCF-style: chr1-53675807-A-G.
Other names: c.461A>G, p.Asn154Ser (NM_001330589.2); short protein forms N154S.
Identifiers: ClinVar variation 593649 (VCV000593649.8), dbSNP rs772269793, ClinGen allele CA22637719.